The following is an entry in ClinVar:

NM_004750.5(CRLF1):c.666C>T (p.Ser222=)

Gene: CRLF1 (cytokine receptor like factor 1; minus strand). Cytogenetic location: 19p13.11.
Variant type: single nucleotide variant.
Coding change: c.666C>T on transcript NM_004750.5 (MANE Select); coding-DNA position 666, C replaced by T.
Protein change: p.Ser222=; no amino-acid change (serine 222 retained).
Molecular consequence: synonymous variant.
Genome position (GRCh38, 1-based): chr19:18,598,463, G>A on the plus strand (C>T on the coding strand, the complement: CRLF1 is on the minus strand). VCF-style: chr19-18598463-G-A. GRCh37 (hg19) VCF-style: chr19-18709273-G-A.
Identifiers: ClinVar variation 782923 (VCV000782923.10), dbSNP rs200226757, ClinGen allele CA9314164.
Genomic context (GRCh38, chr19:18,598,463, plus strand): 5'-GAGGGGCCTAGCAGACACTGGGGGCTCACCCACATCCAGGATATCCAGCGTGAGTACATC[G>A]GAGCGGGCAGAGCCCAGGCGGTTGGTGGCCTCCACCCAGATCTCATAGGGCGTAAAGAGA-3'
Protein context (NP_004741.1, residues 212-232): EATNRLGSAR[Ser222=]DVLTLDILDV

ClinVar aggregate classification (germline): Likely benign. Review status: criteria provided, multiple submitters, no conflicts (2 of 4 stars). 3 submissions from 3 submitters: Likely benign (3). Last evaluated 2026-04-01.

Allele frequency attached by ClinVar (database versions not stated): ESP Exome Variant Server 0.00008; TOPMed 0.00010; ExAC 0.00012; gnomAD 0.00013 and 0.00014; gnomAD exomes 0.00015; 1000 Genomes Project 0.00040; 1000 Genomes Project 30x 0.00047.
gnomAD v4.1: 247 of 1,614,056 alleles (0.015%); highest among the groups gnomAD compares: East Asian, 0.38%; 1 homozygote.

Submissions (3):

CeGaT Center for Human Genetics Tuebingen
Classification: Likely benign. Last evaluated: 2026-04-01. Review status: criteria provided, single submitter. Criteria: CeGaT Center For Human Genetics Tuebingen Variant Classification Criteria Version 2. Collection method: clinical testing. Allele origin: germline. Affected: yes. Observed: 1 variant allele.
Comment: CRLF1: BP4, BP7

Labcorp Genetics (formerly Invitae), Labcorp
Classification: Likely benign. Last evaluated: 2024-12-04. Review status: criteria provided, single submitter. Criteria: Invitae Variant Classification Sherloc (09022015). Collection method: clinical testing. Allele origin: germline.

Blueprint Genetics
Classification: Likely benign. Last evaluated: 2024-11-08. Review status: criteria provided, single submitter. Criteria: ACMG Guidelines, 2015. Collection method: clinical testing. Allele origin: germline.